The following is an entry in ClinVar:

ClinVar aggregate classification (germline): Conflicting classifications of pathogenicity. Review status: criteria provided, conflicting classifications (1 of 4 stars). 2 submissions from 2 submitters: Likely pathogenic (1); Uncertain significance (1). Last evaluated 2022-05-20.

Conditions:
USH2A-related disorder. Also called: USH2A-related condition; USH2A-related disorders. Identifiers: MedGen CN239332.

Allele frequency attached by ClinVar (database versions not stated): gnomAD exomes below 0.00001.
gnomAD v4.1: 2 of 1,614,136 alleles (0.00012%); highest among the groups gnomAD compares: Middle Eastern, 0.016%; no homozygotes.

Submissions (2):

Blueprint Genetics
Classification: Likely pathogenic for USH2A-related disorders. Last evaluated: 2022-05-20. Review status: criteria provided, single submitter. Criteria: ACMG Guidelines, 2015. Collection method: clinical testing. Allele origin: germline. Affected: yes. Observed: 3 variant alleles.

Labcorp Genetics (formerly Invitae), Labcorp
Classification: Uncertain significance. Last evaluated: 2022-03-26. Review status: criteria provided, single submitter. Criteria: Invitae Variant Classification Sherloc (09022015). Collection method: clinical testing. Allele origin: germline.
Comment: This sequence change replaces methionine, which is neutral and non-polar, with threonine, which is neutral and polar, at codon 4447 of the USH2A protein (p.Met4447Thr). This variant is not present in population databases (gnomAD no frequency). This variant has not been reported in the literature in individuals affected with USH2A-related conditions. Algorithms developed to predict the effect of missense changes on protein structure and function (SIFT, PolyPhen-2, Align-GVGD) all suggest that this variant is likely to be disruptive. This variant disrupts the p.Met4447 amino acid residue in USH2A. Other variant(s) that disrupt this residue have been determined to be pathogenic (PMID: 24938718, 32188678, 33111992). This suggests that this residue is clinically significant, and that variants that disrupt this residue are likely to be disease-causing. In summary, the available evidence is currently insufficient to determine the role of this variant in disease. Therefore, it has been classified as a Variant of Uncertain Significance.

Literature cited by the submitters: PubMed 24938718 (cited by Labcorp Genetics (formerly Invitae), Labcorp); PubMed 32188678 (cited by Labcorp Genetics (formerly Invitae), Labcorp); PubMed 33111992 (cited by Labcorp Genetics (formerly Invitae), Labcorp).

NM_206933.4(USH2A):c.13340T>C (p.Met4447Thr)

Gene: USH2A (usherin; minus strand). Cytogenetic location: 1q41.
Variant type: single nucleotide variant.
Coding change: c.13340T>C on transcript NM_206933.4 (MANE Select); coding-DNA position 13340, T replaced by C.
Protein change: p.Met4447Thr; replaces methionine 4447 with threonine.
Molecular consequence: missense variant.
Genome position (GRCh38, 1-based): chr1:215,674,571, A>G on the plus strand (T>C on the coding strand, the complement: USH2A is on the minus strand). VCF-style: chr1-215674571-A-G. GRCh37 (hg19) VCF-style: chr1-215847913-A-G.
Other names: short protein forms M4447T.
Identifiers: ClinVar variation 2116944 (VCV002116944.2), dbSNP rs2464895840, ClinGen allele CA344845643.